The following is an entry in ClinVar:

ClinVar aggregate classification (germline): Benign/Likely benign. Review status: criteria provided, multiple submitters, no conflicts (2 of 4 stars). 24 submissions from 24 submitters: Benign (13); Likely benign (7). 4 of the submissions do not count toward it. Last evaluated 2026-09-01.

Conditions:
Hereditary cancer-predisposing syndrome. Also called: Neoplastic Syndromes, Hereditary; Tumor predisposition; Hereditary Cancer Syndrome; Hereditary neoplastic syndrome. Identifiers: Orphanet 140162, MedGen C0027672, MeSH D009386, MONDO:0015356.
Tuberous sclerosis syndrome (TSC). Also called: Tuberous Sclerosis Complex; Tuberous sclerosis. Identifiers: Orphanet 805, MedGen C0041341, MONDO:0001734.
Tuberous sclerosis 2 (TSC2). Identifiers: Orphanet 805, MedGen C1860707, MONDO:0013199, OMIM 613254.

Allele frequency attached by ClinVar (database versions not stated): gnomAD 0.00137 and 0.00142; ESP Exome Variant Server 0.00192; 1000 Genomes Project 30x 0.00031; 1000 Genomes Project 0.00040; TOPMed 0.00124.
gnomAD v4.1: 3,729 of 1,611,650 alleles (0.23%); highest among the groups gnomAD compares: Non-Finnish European, 0.3%; 9 homozygotes.

Submissions (24):

CeGaT Center for Human Genetics Tuebingen
Classification: Likely benign. Last evaluated: 2026-09-01. Review status: criteria provided, single submitter. Criteria: CeGaT Center For Human Genetics Tuebingen Variant Classification Criteria Version 2. Collection method: clinical testing. Allele origin: germline. Affected: yes. Observed: 21 variant alleles.
Comment: TSC2: BS1

Labcorp Genetics (formerly Invitae), Labcorp
Classification: Benign for Tuberous sclerosis 2. Last evaluated: 2026-02-03. Review status: criteria provided, single submitter. Criteria: Invitae Variant Classification Sherloc (09022015). Collection method: clinical testing. Allele origin: germline.

Mayo Clinic Laboratories, Mayo Clinic
Classification: Likely benign. Last evaluated: 2025-12-02. Review status: criteria provided, single submitter. Criteria: ACMG Guidelines, 2015. Collection method: clinical testing. Allele origin: germline. Observed: 6 variant alleles.
Comment: BS1, BP4, BP7

Myriad Genetics, Inc.
Classification: Benign for Tuberous sclerosis 2. Last evaluated: 2025-05-13. Review status: criteria provided, single submitter. Criteria: Myriad Autosomal Dominant, Autosomal Recessive and X-Linked Classification Criteria (2023). Collection method: clinical testing. Allele origin: unknown.
Comment: This variant is considered benign. This variant is a silent/synonymous amino acid change and it is not expected to impact splicing.

ARUP Laboratories, Molecular Genetics and Genomics, ARUP Laboratories
Classification: Benign. Last evaluated: 2025-01-27. Review status: criteria provided, single submitter. Criteria: ARUP Molecular Germline Variant Investigation Process 2024. Collection method: clinical testing. Allele origin: germline.

Blueprint Genetics
Classification: Likely benign. Last evaluated: 2024-11-25. Review status: criteria provided, single submitter. Criteria: ACMG Guidelines, 2015. Collection method: clinical testing. Allele origin: germline.

Women's Health and Genetics/Laboratory Corporation of America, LabCorp
Classification: Benign. Last evaluated: 2024-05-20. Review status: criteria provided, single submitter. Criteria: LabCorp Variant Classification Summary - May 2015. Collection method: clinical testing. Allele origin: germline.

All of Us Research Program, National Institutes of Health
Classification: Benign for Tuberous sclerosis syndrome. Last evaluated: 2024-02-05. Review status: criteria provided, single submitter. Criteria: ACMG Guidelines, 2015. Collection method: clinical testing. Allele origin: germline. Inheritance: Autosomal dominant inheritance. Observed: 361 variant alleles, 360 heterozygotes, 1 homozygote.
Comment: This study involves interpretation of variants in research participants for the purpose of population health screening. Participant phenotype was not available at the time of variant classification. Additional details can be found in publication PMID: 35346344, PMCID: PMC8962531

Color Diagnostics, LLC DBA Color Health
Classification: Benign for Tuberous sclerosis syndrome. Last evaluated: 2022-09-20. Review status: criteria provided, single submitter. Criteria: ACMG Guidelines, 2015. Collection method: clinical testing. Allele origin: germline.

Genetic Services Laboratory, University of Chicago
Classification: Likely benign. Last evaluated: 2021-12-01. Review status: criteria provided, single submitter. Criteria: ACMG Guidelines, 2015. Collection method: clinical testing. Allele origin: germline. Affected: no.

Genome-Nilou Lab
Classification: Benign for Tuberous sclerosis 2. Last evaluated: 2021-11-07. Review status: criteria provided, single submitter. Criteria: ACMG Guidelines, 2015. Collection method: clinical testing. Allele origin: germline. Affected: no.

Sema4
Classification: Benign for Hereditary cancer-predisposing syndrome. Last evaluated: 2021-01-01. Review status: criteria provided, single submitter. Criteria: Sema4 Curation Guidelines. Collection method: curation. Allele origin: germline.

Illumina Laboratory Services, Illumina
Classification: Benign for Tuberous sclerosis syndrome. Last evaluated: 2018-01-13. Review status: criteria provided, single submitter. Criteria: ICSL Variant Classification Criteria 13 December 2019. Collection method: clinical testing. Allele origin: germline.
Comment: This variant was observed in the ICSL laboratory as part of a predisposition screen in an ostensibly healthy population. It had not been previously curated by ICSL or reported in the Human Gene Mutation Database (HGMD: prior to June 1st, 2018), and was therefore a candidate for classification through an automated scoring system. Utilizing variant allele frequency, disease prevalence and penetrance estimates, and inheritance mode, an automated score was calculated to assess if this variant is too frequent to cause the disease. Based on the score and internal cut-off values, a variant classified as benign is not then subjected to further curation. The score for this variant resulted in a classification of benign for this disease.

Athena Diagnostics
Classification: Benign for Tuberous sclerosis 2. Last evaluated: 2017-05-30. Review status: criteria provided, single submitter. Criteria: Athena Diagnostics Criteria. Collection method: clinical testing. Allele origin: germline.

Laboratory for Molecular Medicine, Mass General Brigham Personalized Medicine
Classification: Likely benign. Last evaluated: 2017-02-06. Review status: criteria provided, single submitter. Criteria: LMM Criteria. Collection method: clinical testing. Allele origin: germline. Observed: 2 variant alleles.
Comment: p.Leu426Leu in exon 13 of TSC2: This variant is not expected to have clinical si gnificance because it does not alter an amino acid residue and is not located wi thin the splice consensus sequence. It has been identified in 0.2% (125/48602) o f European chromosomes by the Exome Aggregation Consortium (ExAC; dbSNP rs45478593).

Ambry Genetics
Classification: Likely benign for Hereditary cancer-predisposing syndrome. Last evaluated: 2015-03-28. Review status: criteria provided, single submitter. Criteria: Ambry Variant Classification Scheme 2023. Collection method: clinical testing. Allele origin: germline.

Eurofins Ntd Llc (ga)
Classification: Benign. Last evaluated: 2014-11-04. Review status: criteria provided, single submitter. Criteria: EGL Classification Definitions 2015. Collection method: clinical testing. Allele origin: germline. Observed: 1 variant allele, 1 heterozygote.

GeneDx
Classification: Benign. Last evaluated: 2013-07-10. Review status: criteria provided, single submitter. Criteria: GeneDx Variant Classification (06012015). Collection method: clinical testing. Allele origin: germline. Affected: yes.
Comment: This variant is considered likely benign or benign based on one or more of the following criteria: it is a conservative change, it occurs at a poorly conserved position in the protein, it is predicted to be benign by multiple in silico algorithms, and/or has population frequency not consistent with disease.

Breakthrough Genomics
Classification: Likely benign. Review status: criteria provided, single submitter. Criteria: ACMG Guidelines, 2015. Collection method: not provided. Allele origin: germline. Inheritance: Autosomal dominant inheritance. Affected: yes.

PreventionGenetics, part of Exact Sciences
Classification: Benign. Review status: criteria provided, single submitter. Criteria: ACMG Guidelines, 2015. Collection method: clinical testing. Allele origin: germline.

Clinical Genetics, Academic Medical Center
Classification: Benign. Review status: no assertion criteria provided. Collection method: clinical testing. Allele origin: germline. Affected: yes. Study: VKGL Data-share Consensus. Not counted in ClinVar's aggregate classification.

Genome Diagnostics Laboratory, Amsterdam University Medical Center
Classification: Likely benign. Review status: no assertion criteria provided. Collection method: clinical testing. Allele origin: germline. Affected: yes. Study: VKGL Data-share Consensus. Not counted in ClinVar's aggregate classification.

Genome Diagnostics Laboratory, University Medical Center Utrecht
Classification: Benign. Review status: no assertion criteria provided. Collection method: clinical testing. Allele origin: germline. Affected: yes. Study: VKGL Data-share Consensus. Not counted in ClinVar's aggregate classification.

Tuberous sclerosis database (TSC2)
No classification provided. Condition: TSC. Review status: no classification provided. Criteria: Tuberous Sclerosis Database Assertion Criteria 2015. Collection method: curation. Allele origin: germline. Affected: yes. Not counted in ClinVar's aggregate classification.

Literature cited by the submitters: PubMed 10215407 (cited by Athena Diagnostics); PubMed 17304050 (cited by Athena Diagnostics).

NM_000548.5(TSC2):c.1276C>T (p.Leu426=)

Gene: TSC2 (TSC complex subunit 2; plus strand). Cytogenetic location: 16p13.3.
Variant type: single nucleotide variant.
Coding change: c.1276C>T on transcript NM_000548.5 (MANE Select); coding-DNA position 1276, C replaced by T.
Protein change: p.Leu426=; no amino-acid change (leucine 426 retained).
Molecular consequence: synonymous variant.
Genome position (GRCh38, 1-based): chr16:2,062,515, C>T. VCF-style: chr16-2062515-C-T. GRCh37 (hg19) VCF-style: chr16-2112516-C-T.
Other names: p.L426L:CTG>TTG; p.Leu426Leu; p.Leu426=; c.1276C>T, p.Leu426= (NM_001077183.3, NM_001114382.3, NM_001363528.2 and 3 more transcripts); c.1165C>T, p.Leu389= (NM_001318827.2); c.1129C>T, p.Leu377= (NM_001318829.2); c.676C>T, p.Leu226= (NM_001318831.2); c.1309C>T, p.Leu437= (NM_001318832.2); and 1 more.
Identifiers: ClinVar variation 49150 (VCV000049150.71), dbSNP rs45478593, ClinGen allele CA014318.